The following is an entry in ClinVar:

NM_014727.3(KMT2B):c.6865C>A (p.Pro2289Thr)

Gene: KMT2B (lysine methyltransferase 2B; plus strand). Cytogenetic location: 19q13.12.
Variant type: single nucleotide variant.
Coding change: c.6865C>A on transcript NM_014727.3 (MANE Select); coding-DNA position 6865, C replaced by A.
Protein change: p.Pro2289Thr; replaces proline 2289 with threonine.
Molecular consequence: missense variant.
Genome position (GRCh38, 1-based): chr19:35,733,414, C>A. VCF-style: chr19-35733414-C-A. GRCh37 (hg19) VCF-style: chr19-36224315-C-A.
Other names: short protein forms P2289T.
Identifiers: ClinVar variation 3901562 (VCV003901562.1).
Genomic context (GRCh38, chr19:35,733,414, plus strand): 5'-GCCAGCCCGCCCCGCCAGGCCATCCGCGTCAAGAGGGTGTCCACTTTCTCCGGCCGGTCC[C>A]CGCCAGCACCTCCCCCATACAAAGCCCCCCGGCTGGATGAAGATGGAGAGGCCTCAGAGG-3'
Protein context (NP_055542.1, residues 2279-2299): KRVSTFSGRS[Pro2289Thr]PAPPPYKAPR

ClinVar aggregate classification (germline): Uncertain significance (1 of 4 stars; one submission).

Submission:

GeneDx
Classification: Uncertain significance. Last evaluated: 2024-12-06. Review status: criteria provided, single submitter. Criteria: GeneDx Variant Classification Process June 2021. Collection method: clinical testing. Allele origin: germline. Affected: yes.
Comment: Not observed at significant frequency in large population cohorts (gnomAD); In silico analysis indicates that this missense variant does not alter protein structure/function; Has not been previously published as pathogenic or benign to our knowledge